The following is an entry in ClinVar:

ClinVar aggregate classification (germline): Pathogenic (1 of 4 stars; one submission).

Conditions:
GLI2-related disorder. Also called: GLI2-related disorders; GLI2-related condition.

Submission:

Daryl Scott Lab, Baylor College of Medicine
Classification: Pathogenic for GLI2-related disorder. Last evaluated: 2024-01-01. Review status: criteria provided, single submitter. Criteria: ACMG Guidelines, 2015. Collection method: clinical testing. Allele origin: unknown. Affected: yes. Observed: 1 heterozygote.
Comment: PVS1, PM2

NM_001374353.1(GLI2):c.3308_3315del (p.Ser1103fs)

Gene: GLI2 (GLI family zinc finger 2; plus strand). Cytogenetic location: 2q14.2.
Variant type: Deletion.
Coding change: c.3308_3315del on transcript NM_001374353.1 (MANE Select); coding-DNA positions 3308 to 3315, 8 bases deleted (CCGCCCCT; older notation c.3308_3315delCCGCCCCT).
Protein change: p.Ser1103fs; shifts the reading frame from serine 1103.
Molecular consequence: frameshift variant.
Genome position (GRCh38, 1-based): chr2:120,989,273-120,989,280, CCGCCCCT deleted; deleting any 8 consecutive bases within chr2:120,989,267-120,989,280 gives the same sequence; the c. name uses the placement nearest the transcript's 3' end. VCF-style (leftmost placement, unchanged base first): chr2-120989266-GGCCCCTCC-G. GRCh37 (hg19) VCF-style: chr2-121746842-GGCCCCTCC-G.
Other names: c.3359_3366del, p.Ser1120fs (NM_001371271.1, NM_005270.5); c.2933_2940del, p.Ser978fs (NM_001374354.1); short protein forms S1103fs, S1120fs, S978fs.
Identifiers: ClinVar variation 3764636 (VCV003764636.1).
Genomic context (GRCh38, chr2:120,989,266, plus strand): 5'-AGACTACCCAGCCCGGGGCTGCACGGCCAGCGCAGGATGGTGGCTGCGGACTCCAACGTG[GGCCCCTCC>G]GCCCCTATGCTGGGAGGATGCCAGTTAGGCTTTGGGGCGCCCTCCAGCCTGAACAAAAAT-3'